The following is an entry in ClinVar:

ClinVar aggregate classification (germline): Uncertain significance (1 of 4 stars; one submission).

Conditions:
Hereditary cancer-predisposing syndrome. Also called: Neoplastic Syndromes, Hereditary; Hereditary Cancer Syndrome; Hereditary neoplastic syndrome; Tumor predisposition. Identifiers: Orphanet 140162, MedGen C0027672, MeSH D009386, MONDO:0015356.

Submission:

Ambry Genetics
Classification: Uncertain significance for Hereditary cancer-predisposing syndrome. Last evaluated: 2023-05-23. Review status: criteria provided, single submitter. Criteria: Ambry Variant Classification Scheme 2023. Collection method: clinical testing. Allele origin: germline.
Comment: The p.E163Q variant (also known as c.487G>C), located in coding exon 5 of the FANCC gene, results from a G to C substitution at nucleotide position 487. The glutamic acid at codon 163 is replaced by glutamine, an amino acid with highly similar properties. This amino acid position is conserved. In addition, this alteration is predicted to be tolerated by in silico analysis. Since supporting evidence is limited at this time, the clinical significance of this alteration remains unclear.

NM_000136.3(FANCC):c.487G>C (p.Glu163Gln)

Gene: FANCC (FA complementation group C; minus strand). Cytogenetic location: 9q22.32.
Variant type: single nucleotide variant.
Coding change: c.487G>C on transcript NM_000136.3 (MANE Select); coding-DNA position 487, G replaced by C.
Protein change: p.Glu163Gln; replaces glutamic acid 163 with glutamine.
Molecular consequence: missense variant.
Genome position (GRCh38, 1-based): chr9:95,171,113, C>G on the plus strand (G>C on the coding strand, the complement: FANCC is on the minus strand). VCF-style: chr9-95171113-C-G. GRCh37 (hg19) VCF-style: chr9-97933395-C-G.
Other names: c.487G>C, p.Glu163Gln (NM_001243743.2, NM_001243744.2); short protein forms E163Q.
Identifiers: ClinVar variation 2565553 (VCV002565553.2), dbSNP rs2135579156, ClinGen allele CA374338615.